The following is an entry in ClinVar:

ClinVar aggregate classification (germline): Benign/Likely benign. Review status: criteria provided, multiple submitters, no conflicts (2 of 4 stars). 5 submissions from 5 submitters: Benign (1); Likely benign (4). Last evaluated 2026-04-14.

Conditions:
Birt-Hogg-Dube syndrome 1 (BHD1). Also called: FIBROFOLLICULOMAS WITH TRICHODISCOMAS AND ACROCHORDONS. Identifiers: Orphanet 122, MedGen CN375946, MONDO:0800445, OMIM 135150.
FLCN-related disorder. Also called: FLCN-related condition.
Hereditary cancer-predisposing syndrome. Also called: Neoplastic Syndromes, Hereditary; Hereditary Cancer Syndrome; Tumor predisposition; Hereditary neoplastic syndrome. Identifiers: Orphanet 140162, MedGen C0027672, MeSH D009386, MONDO:0015356.
Birt-Hogg-Dube syndrome. Also called: Birt Hogg Dubé syndrome. Identifiers: Orphanet 122, MedGen C0346010, MONDO:0800444.

Allele frequency attached by ClinVar (database versions not stated): ExAC 0.00002; gnomAD 0.00002 and 0.00003; gnomAD exomes 0.00002 and 0.00006; TOPMed 0.00004; 1000 Genomes Project 30x 0.00016; 1000 Genomes Project 0.00020.
gnomAD v4.1: 91 of 1,614,228 alleles (0.0056%); highest among the groups gnomAD compares: Non-Finnish European, 0.0069%; no homozygotes.

Submissions (5):

PreventionGenetics, part of Exact Sciences
Classification: Likely benign for FLCN-related condition. Last evaluated: 2026-04-14. Review status: criteria provided, single submitter. Criteria: ACMG Guidelines, 2015. Collection method: clinical testing. Allele origin: germline.
Comment: This variant is classified as likely benign based on ACMG/AMP sequence variant interpretation guidelines (Richards et al. 2015 PMID: 25741868, with internal and published modifications).

Labcorp Genetics (formerly Invitae), Labcorp
Classification: Likely benign for Birt-Hogg-Dube syndrome. Last evaluated: 2026-01-13. Review status: criteria provided, single submitter. Criteria: Invitae Variant Classification Sherloc (09022015). Collection method: clinical testing. Allele origin: germline.

Myriad Genetics, Inc.
Classification: Benign for Birt-Hogg-Dube syndrome 1. Last evaluated: 2024-10-23. Review status: criteria provided, single submitter. Criteria: Myriad Autosomal Dominant, Autosomal Recessive and X-Linked Classification Criteria (2023). Collection method: clinical testing. Allele origin: unknown.
Comment: This variant is considered benign. This variant is a silent/synonymous amino acid change and it is not expected to impact splicing.

GeneDx
Classification: Likely benign. Last evaluated: 2020-09-27. Review status: criteria provided, single submitter. Criteria: GeneDx Variant Classification Process June 2021. Collection method: clinical testing. Allele origin: germline. Affected: yes.
Comment: This variant is associated with the following publications: (PMID: 27149842)

Ambry Genetics
Classification: Likely benign for Hereditary cancer-predisposing syndrome. Last evaluated: 2017-04-10. Review status: criteria provided, single submitter. Criteria: Ambry Variant Classification Scheme 2023. Collection method: clinical testing. Allele origin: germline.

NM_144997.7(FLCN):c.720G>A (p.Ser240=)

Gene: FLCN (folliculin; minus strand). Cytogenetic location: 17p11.2.
Variant type: single nucleotide variant.
Coding change: c.720G>A on transcript NM_144997.7 (MANE Select); coding-DNA position 720, G replaced by A.
Protein change: p.Ser240=; no amino-acid change (serine 240 retained).
Molecular consequence: synonymous variant.
Genome position (GRCh38, 1-based): chr17:17,222,560, C>T on the plus strand (G>A on the coding strand, the complement: FLCN is on the minus strand). VCF-style: chr17-17222560-C-T. GRCh37 (hg19) VCF-style: chr17-17125874-C-T.
Other names: c.774G>A, p.Ser258= (NM_001353229.2); c.720G>A, p.Ser240= (NM_001353230.2, NM_001353231.2, NM_144606.7); c.720G>A (LRG_325t1).
Identifiers: ClinVar variation 485583 (VCV000485583.19), dbSNP rs186366202, ClinGen allele CA8416332.